The following is an entry in ClinVar:

NM_170606.3(KMT2C):c.6016C>A (p.His2006Asn)

Gene: KMT2C (lysine methyltransferase 2C; minus strand). Cytogenetic location: 7q36.1.
Variant type: single nucleotide variant.
Coding change: c.6016C>A on transcript NM_170606.3 (MANE Select); coding-DNA position 6016, C replaced by A.
Protein change: p.His2006Asn; replaces histidine 2006 with asparagine.
Molecular consequence: missense variant.
Genome position (GRCh38, 1-based): chr7:152,181,844, G>T on the plus strand (C>A on the coding strand, the complement: KMT2C is on the minus strand). VCF-style: chr7-152181844-G-T. GRCh37 (hg19) VCF-style: chr7-151878929-G-T.
Other names: short protein forms H2006N.
Identifiers: ClinVar variation 3371573 (VCV003371573.1).
Genomic context (GRCh38, chr7:152,181,844, plus strand): 5'-ATGAGTCAGGTATCCTTTGTCTTTGAAACACATCTGCCCTAGGAGATGGTTTAGTAAAGT[G>T]ATCACTGGTTCCAGCTGCTATAGGGCCTTTTGCAGTTTGTTCTGAAACTACAGGAGACCG-3'
Protein context (NP_733751.2, residues 1996-2016): KGPIAAGTSD[His2006Asn]FTKPSPRADV

ClinVar aggregate classification (germline): Uncertain significance (1 of 4 stars; one submission).

Submission:

GeneDx
Classification: Uncertain significance. Last evaluated: 2024-03-28. Review status: criteria provided, single submitter. Criteria: GeneDx Variant Classification Process June 2021. Collection method: clinical testing. Allele origin: germline. Affected: yes.
Comment: Not observed at significant frequency in large population cohorts (gnomAD); In silico analysis supports that this missense variant does not alter protein structure/function; Has not been previously published as pathogenic or benign to our knowledge